The following is an entry in ClinVar:

NM_001353345.2(SETD1B):c.2456G>A (p.Gly819Asp)

Gene: SETD1B (SET domain containing 1B, histone lysine methyltransferase; plus strand). Cytogenetic location: 12q24.31.
Variant type: single nucleotide variant.
Coding change: c.2456G>A on transcript NM_001353345.2 (MANE Select); coding-DNA position 2456, G replaced by A.
Protein change: p.Gly819Asp; replaces glycine 819 with aspartic acid.
Molecular consequence: missense variant.
Genome position (GRCh38, 1-based): chr12:121,814,671, G>A. VCF-style: chr12-121814671-G-A. GRCh37 (hg19) VCF-style: chr12-122252577-G-A.
Other names: short protein forms G819D.
Identifiers: ClinVar variation 1805535 (VCV001805535.1), dbSNP rs2500202148, ClinGen allele CA386994692.

ClinVar aggregate classification (germline): Uncertain significance (1 of 4 stars; one submission).

Conditions:
Intellectual developmental disorder with seizures and language delay (IDDSELD). Identifiers: MedGen C5436574, MONDO:0033559, OMIM 619000.

Submission:

Victorian Clinical Genetics Services, Murdoch Childrens Research Institute
Classification: Uncertain significance for Intellectual developmental disorder with seizures and language delay. Last evaluated: 2020-06-11. Review status: criteria provided, single submitter. Criteria: ACMG Guidelines, 2015. Collection method: clinical testing. Allele origin: germline. Inheritance: Autosomal dominant inheritance. Affected: yes.
Comment: Based on the classification scheme VCGS_Germline_v1.1.1, this variant is classified as VUS – 3B. Following criteria are met: 0102 - Loss-of-function is a known mechanism of disease for this gene. (N) 0107 - This gene is known to be associated with autosomal dominant disease. (N) 0200 - Variant is predicted to result in a missense amino acid change from glycine to aspartic acid (exon 6). (N) 0251 - Variant is heterozygous. (N) 0301 - Variant is absent from gnomAD. (P) 0502 - Missense variant with conflicting in silico predictions and/or uninformative conservation. (N) 0604 - Variant is not located in an established domain, motif, hotspot or informative constraint region. (N) 0705 - No comparable variants have previous evidence for pathogenicity. (N) 0807 - Variant has not previously been reported in a clinical context. (N) 0905 - No segregation evidence has been identified for this variant. (N) 1007 - No published functional evidence has been identified for this variant. (N) 1208 - Inheritance information for this variant is not currently available. (N) Legend: (P) - Pathogenic, (N) - Neutral, (B) - Benign